The following is an entry in ClinVar:

NM_024685.4(BBS10):c.829C>G (p.Leu277Val)

Gene: BBS10 (Bardet-Biedl syndrome 10; minus strand). Cytogenetic location: 12q21.2.
Variant type: single nucleotide variant.
Coding change: c.829C>G on transcript NM_024685.4 (MANE Select); coding-DNA position 829, C replaced by G.
Protein change: p.Leu277Val; replaces leucine 277 with valine.
Molecular consequence: missense variant.
Genome position (GRCh38, 1-based): chr12:76,347,156, G>C on the plus strand (C>G on the coding strand, the complement: BBS10 is on the minus strand). VCF-style: chr12-76347156-G-C. GRCh37 (hg19) VCF-style: chr12-76740936-G-C.
Other names: short protein forms L277V.
Identifiers: ClinVar variation 3346403 (VCV003346403.1).

ClinVar aggregate classification (germline): Uncertain significance (0 of 4 stars; one submission).

Conditions:
BBS10-related disorder. Also called: BBS10-related condition.

Submission:

PreventionGenetics, part of Exact Sciences
Classification: Uncertain significance for BBS10-related condition. Last evaluated: 2024-08-22. Review status: no assertion criteria provided. Collection method: clinical testing. Allele origin: germline.
Comment: The BBS10 c.829C>G variant is predicted to result in the amino acid substitution p.Leu277Val. To our knowledge, this variant has not been reported in the literature or in a large population database, indicating this variant is rare. At this time, the clinical significance of this variant is uncertain due to the absence of conclusive functional and genetic evidence.